The following is an entry in ClinVar:

ClinVar aggregate classification (germline): Pathogenic (1 of 4 stars; one submission).

Conditions:
Aniridia 1 (AN1). Identifiers: Orphanet 250923, MedGen C0344542, MONDO:0024507, OMIM 106210.
Irido-corneo-trabecular dysgenesis (ASGD5). Also called: ANTERIOR SEGMENT DYSGENESIS 5. Identifiers: Orphanet 708, MedGen C0344559, MONDO:0011414, OMIM 604229, HP:0000659.

Submission:

Labcorp Genetics (formerly Invitae), Labcorp
Classification: Pathogenic for Aniridia 1; Irido-corneo-trabecular dysgenesis. Last evaluated: 2023-05-25. Review status: criteria provided, single submitter. Criteria: Invitae Variant Classification Sherloc (09022015). Collection method: clinical testing. Allele origin: germline.
Comment: For these reasons, this variant has been classified as Pathogenic. This premature translational stop signal has been observed in individual(s) with aniridia (PMID: 34101622). This variant is not present in population databases (gnomAD no frequency). This sequence change creates a premature translational stop signal (p.Gly194*) in the PAX6 gene. It is expected to result in an absent or disrupted protein product. Loss-of-function variants in PAX6 are known to be pathogenic (PMID: 12634864).

Literature cited by the submitters: PubMed 34101622; PubMed 12634864.

NM_001368894.2(PAX6):c.622G>T (p.Gly208Ter)

Gene: PAX6 (paired box 6; minus strand). Cytogenetic location: 11p13.
Variant type: single nucleotide variant.
Coding change: c.622G>T on transcript NM_001368894.2 (MANE Select); coding-DNA position 622, G replaced by T.
Protein change: p.Gly208Ter; replaces glycine 208 with a stop codon.
Molecular consequence: nonsense. On other transcripts: 5 prime UTR variant (1), non-coding transcript variant (2).
Genome position (GRCh38, 1-based): chr11:31,794,732, C>A on the plus strand (G>T on the coding strand, the complement: PAX6 is on the minus strand). VCF-style: chr11-31794732-C-A. GRCh37 (hg19) VCF-style: chr11-31816280-C-A.
Other names: c.580G>T, p.Gly194Ter (NM_000280.6, NM_001127612.3, NM_001258464.2 and 10 more transcripts); c.622G>T, p.Gly208Ter (NM_001258462.3, NM_001258463.2, NM_001310158.2 and 6 more transcripts); c.172G>T, p.Gly58Ter (NM_001310160.2, NM_001310161.3, NM_001368899.2 and 11 more transcripts); c.823G>T, p.Gly275Ter (NM_001368910.2); c.625G>T, p.Gly209Ter (NM_001368911.2); c.697G>T, p.Gly233Ter (NM_001368918.2, NM_001368919.2); c.655G>T, p.Gly219Ter (NM_001368920.2); c.421G>T, p.Gly141Ter (NM_001368921.2, NM_001368922.2, NM_001368923.2 and 4 more transcripts); and 2 more; short protein forms G141*, G233*, G194*, G275*, G58*, G127*, G208*, G209*.
Identifiers: ClinVar variation 2925469 (VCV002925469.3), dbSNP rs374396492, ClinGen allele CA379957029.